The following is an entry in ClinVar:

ClinVar aggregate classification (germline): Uncertain significance. Review status: criteria provided, multiple submitters, no conflicts (2 of 4 stars). 2 submissions from 2 submitters: Uncertain significance (2). Last evaluated 2024-08-05.

Conditions:
Inborn genetic diseases. Identifiers: MedGen C0950123, MeSH D030342.
Pyogenic arthritis-pyoderma gangrenosum-acne syndrome (PAPA). Also called: PAPA SYNDROME; FAMILIAL RECURRENT ARTHRITIS. Identifiers: Orphanet 69126, MedGen C1858361, MONDO:0011462, OMIM 604416.

Allele frequency attached by ClinVar (database versions not stated): gnomAD 0.00001.
gnomAD v4.1: 23 of 1,612,912 alleles (0.0014%); highest among the groups gnomAD compares: Admixed American, 0.0033%; no homozygotes.

Submissions (2):

Ambry Genetics
Classification: Uncertain significance for Inborn genetic diseases. Last evaluated: 2024-08-05. Review status: criteria provided, single submitter. Criteria: Ambry Variant Classification Scheme 2023. Collection method: clinical testing. Allele origin: germline.

Labcorp Genetics (formerly Invitae), Labcorp
Classification: Uncertain significance for Pyogenic arthritis-pyoderma gangrenosum-acne syndrome. Last evaluated: 2022-09-28. Review status: criteria provided, single submitter. Criteria: Invitae Variant Classification Sherloc (09022015). Collection method: clinical testing. Allele origin: germline.
Comment: In summary, the available evidence is currently insufficient to determine the role of this variant in disease. Therefore, it has been classified as a Variant of Uncertain Significance. Advanced modeling of protein sequence and biophysical properties (such as structural, functional, and spatial information, amino acid conservation, physicochemical variation, residue mobility, and thermodynamic stability) performed at Invitae indicates that this missense variant is expected to disrupt PSTPIP1 protein function. ClinVar contains an entry for this variant (Variation ID: 1389622). This variant has not been reported in the literature in individuals affected with PSTPIP1-related conditions. This variant is not present in population databases (gnomAD no frequency). This sequence change replaces arginine, which is basic and polar, with histidine, which is basic and polar, at codon 228 of the PSTPIP1 protein (p.Arg228His).

NM_003978.5(PSTPIP1):c.683G>A (p.Arg228His)

Gene: PSTPIP1 (proline-serine-threonine phosphatase interacting protein 1; plus strand). Cytogenetic location: 15q24.3.
Variant type: single nucleotide variant.
Coding change: c.683G>A on transcript NM_003978.5 (MANE Select); coding-DNA position 683, G replaced by A.
Protein change: p.Arg228His; replaces arginine 228 with histidine.
Molecular consequence: missense variant. On other transcripts: non-coding transcript variant (1).
Genome position (GRCh38, 1-based): chr15:77,031,220, G>A. VCF-style: chr15-77031220-G-A. GRCh37 (hg19) VCF-style: chr15-77323561-G-A.
Other names: c.683G>A, p.Arg228His (NM_001321135.2); c.656G>A, p.Arg219His (NM_001321136.2); c.878G>A, p.Arg293His (NM_001321137.1); c.683G>A (NM_003978.3); short protein forms R219H, R293H, R228H.
Identifiers: ClinVar variation 1389622 (VCV001389622.9), dbSNP rs1386762740, ClinGen allele CA393520889.